The following is an entry in ClinVar:

ClinVar aggregate classification (germline): Pathogenic (1 of 4 stars; one submission).

Submission:

Labcorp Genetics (formerly Invitae), Labcorp
Classification: Pathogenic. Last evaluated: 2024-08-07. Review status: criteria provided, single submitter. Criteria: Invitae Variant Classification Sherloc (09022015). Collection method: clinical testing. Allele origin: germline.
Comment: This sequence change creates a premature translational stop signal (p.Gln230Leufs*6) in the TAB2 gene. It is expected to result in an absent or disrupted protein product. Loss-of-function variants in TAB2 are known to be pathogenic (PMID: 28386937, 31250519). This variant is not present in population databases (gnomAD no frequency). This variant has not been reported in the literature in individuals affected with TAB2-related conditions. For these reasons, this variant has been classified as Pathogenic.

Literature cited by the submitters: PubMed 28386937; PubMed 31250519.

NM_001292034.3(TAB2):c.689_702del (p.Gln230fs)

Genes: TAB2 (TGF-beta activated kinase 1 (MAP3K7) binding protein 2; plus strand), LOC126859827 (BRD4-independent group 4 enhancer GRCh37_chr6:149699707-149700906; plus strand). Cytogenetic location: 6q25.1.
Variant type: Deletion.
Coding change: c.689_702del on transcript NM_001292034.3 (MANE Select); coding-DNA positions 689 to 702, 14 bases deleted (AACAGCATTCTGGC).
Protein change: p.Gln230fs; shifts the reading frame from glutamine 230.
Molecular consequence: frameshift variant.
Genome position (GRCh38, 1-based): chr6:149,378,604-149,378,617, AACAGCATTCTGGC deleted; deleting any 14 consecutive bases within chr6:149,378,603-149,378,617 gives the same sequence; the c. name uses the placement nearest the transcript's 3' end. VCF-style (leftmost placement, unchanged base first): chr6-149378602-ACAACAGCATTCTGG-A. GRCh37 (hg19) VCF-style: chr6-149699738-ACAACAGCATTCTGG-A.
Other names: c.689_702del, p.Gln230fs (NM_001369506.1, NM_015093.6); c.593_606del, p.Gln198fs (NM_001292035.3); short protein forms Q230fs, Q198fs.
Identifiers: ClinVar variation 3661683 (VCV003661683.2).